The following is an entry in ClinVar:

NM_014915.3(ANKRD26):c.5086G>A (p.Ala1696Thr)

Gene: ANKRD26 (ankyrin repeat domain 26; minus strand). Cytogenetic location: 10p12.1.
Variant type: single nucleotide variant.
Coding change: c.5086G>A on transcript NM_014915.3 (MANE Select); coding-DNA position 5086, G replaced by A.
Protein change: p.Ala1696Thr; replaces alanine 1696 with threonine.
Molecular consequence: missense variant.
Genome position (GRCh38, 1-based): chr10:27,005,637, C>T on the plus strand (G>A on the coding strand, the complement: ANKRD26 is on the minus strand). VCF-style: chr10-27005637-C-T. GRCh37 (hg19) VCF-style: chr10-27294566-C-T.
Other names: c.5083G>A, p.Ala1695Thr (NM_001256053.2); short protein forms A1696T, A1695T.
Identifiers: ClinVar variation 880007 (VCV000880007.6), dbSNP rs370943966, ClinGen allele CA5447644.

ClinVar aggregate classification (germline): Conflicting classifications of pathogenicity. Review status: criteria provided, conflicting classifications (1 of 4 stars). 3 submissions from 3 submitters: Uncertain significance (1); Benign (1); Likely benign (1). Last evaluated 2024-11-26.

Conditions:
Thrombocytopenia 2 (THC2). Also called: ANKRD26-Related Thrombocytopenia. Identifiers: Orphanet 268322, MedGen C1861185, MONDO:0008555, OMIM 188000.
Inborn genetic diseases. Identifiers: MedGen C0950123, MeSH D030342.

Allele frequency attached by ClinVar (database versions not stated): gnomAD exomes 0.00001 and 0.00002; ExAC 0.00002; gnomAD 0.00003 and 0.00004; TOPMed 0.00004; ESP Exome Variant Server 0.00017.
gnomAD v4.1: 12 of 1,612,782 alleles (0.00074%); highest among the groups gnomAD compares: African/African-American, 0.015%; no homozygotes.

Submissions (3):

Ambry Genetics
Classification: Likely benign for Inborn genetic diseases. Last evaluated: 2024-11-26. Review status: criteria provided, single submitter. Criteria: Ambry Variant Classification Scheme 2023. Collection method: clinical testing. Allele origin: germline.

GeneDx
Classification: Uncertain significance. Last evaluated: 2023-07-19. Review status: criteria provided, single submitter. Criteria: GeneDx Variant Classification Process June 2021. Collection method: clinical testing. Allele origin: germline. Affected: yes.
Comment: Not observed at significant frequency in large population cohorts (gnomAD); In silico analysis supports that this missense variant does not alter protein structure/function; Has not been previously published as pathogenic or benign to our knowledge

Illumina Laboratory Services, Illumina
Classification: Benign for Thrombocytopenia 2. Last evaluated: 2018-01-13. Review status: criteria provided, single submitter. Criteria: ICSL Variant Classification Criteria 13 December 2019. Collection method: clinical testing. Allele origin: germline.
Comment: This variant was observed in the ICSL laboratory as part of a predisposition screen in an ostensibly healthy population. It had not been previously curated by ICSL or reported in the Human Gene Mutation Database (HGMD: prior to June 1st, 2018), and was therefore a candidate for classification through an automated scoring system. Utilizing variant allele frequency, disease prevalence and penetrance estimates, and inheritance mode, an automated score was calculated to assess if this variant is too frequent to cause the disease. Based on the score and internal cut-off values, a variant classified as benign is not then subjected to further curation. The score for this variant resulted in a classification of benign for this disease.